The following is an entry in ClinVar:

NM_000053.4(ATP7B):c.4124+1G>C

Gene: ATP7B (ATPase copper transporting beta; minus strand). Cytogenetic location: 13q14.3.
Variant type: single nucleotide variant.
Coding change: c.4124+1G>C on transcript NM_000053.4 (MANE Select); the canonical splice donor site of the intron after coding-DNA position 4124, G replaced by C.
Molecular consequence: splice donor variant.
Genome position (GRCh38, 1-based): chr13:51,935,592, C>G on the plus strand (G>C on the coding strand, the complement: ATP7B is on the minus strand). VCF-style: chr13-51935592-C-G. GRCh37 (hg19) VCF-style: chr13-52509728-C-G.
Other names: c.3638+1G>C (NM_001406541.1, NM_001406542.1); c.3872+1G>C (NM_001406531.1, NM_001406532.1, NM_001330579.2); c.3890+1G>C (NM_001406527.1, NM_001406528.1, NM_001330578.2); c.3785+1G>C (NM_001406537.1); c.3980+1G>C (NM_001406521.1, NM_001406522.1, NM_001406520.1); c.4118+1G>C (NM_001406513.1); c.4124+1G>C (NM_001406511.1, NM_001406512.1); c.3632+1G>C (NM_001406543.1); and 21 more.
Identifiers: ClinVar variation 3766496 (VCV003766496.1).
Genomic context (GRCh38, chr13:51,935,592, plus strand): 5'-CATGCAGAATGACAAGGCCTCCTGGGAGCCTCCCACAGATGCTCCACCTGAGGGGACTCA[C>G]CACTTGAGCTGCAGGGATGAGAGCACCACAGACACAGAGGAGGCTGCCATGGCCGCTGAG-3'

ClinVar aggregate classification (germline): Likely pathogenic (1 of 4 stars; one submission).

Conditions:
Wilson disease (WND). Also called: Wilson's disease. Identifiers: Orphanet 905, MedGen C0019202, MONDO:0010200, OMIM 277900. Disease mechanism: loss of function.

Submission:

ARUP Laboratories, Molecular Genetics and Genomics, ARUP Laboratories
Classification: Likely pathogenic for Wilson disease. Last evaluated: 2024-03-05. Review status: criteria provided, single submitter. Criteria: ARUP Molecular Germline Variant Investigation Process 2024. Collection method: clinical testing. Allele origin: germline.
Comment: The ATP7B c.4124+1G>C variant, to our knowledge, is not reported in the medical literature or gene specific databases. This variant is also absent from the Genome Aggregation Database (v2.1.1), indicating it is not a common polymorphism. Additionally, other variants at this same splice site motif (c.4124+2G>G) have been reported in an individual with Wilson disease and are considered to be disease-causing (Chen 2019). This variant disrupts the canonical splice donor site of intron 20, which is likely to negatively impact gene function. Based on available information, this variant is considered to be likely pathogenic. References: Chen YC et al. Contribution of intragenic deletions to mutation spectrum in Chinese patients with Wilson's disease and possible mechanism underlying ATP7B gross deletions. Parkinsonism Relat Disord. 2019 May;62:128-133. PMID: 30655162.